The following is an entry in ClinVar:

ClinVar aggregate classification (germline): Uncertain significance (1 of 4 stars; one submission).

gnomAD v4.1: 16 of 1,613,954 alleles (0.00099%); highest among the groups gnomAD compares: African/African-American, 0.012%; no homozygotes.

Submission:

Labcorp Genetics (formerly Invitae), Labcorp
Classification: Uncertain significance. Last evaluated: 2024-06-13. Review status: criteria provided, single submitter. Criteria: Invitae Variant Classification Sherloc (09022015). Collection method: clinical testing. Allele origin: germline.
Comment: This sequence change replaces aspartic acid, which is acidic and polar, with asparagine, which is neutral and polar, at codon 607 of the ATP2B2 protein (p.Asp607Asn). This variant is present in population databases (rs369920268, gnomAD 0.01%). This variant has not been reported in the literature in individuals affected with ATP2B2-related conditions. Advanced modeling of protein sequence and biophysical properties (such as structural, functional, and spatial information, amino acid conservation, physicochemical variation, residue mobility, and thermodynamic stability) performed at Invitae indicates that this missense variant is not expected to disrupt ATP2B2 protein function with a negative predictive value of 80%. In summary, the available evidence is currently insufficient to determine the role of this variant in disease. Therefore, it has been classified as a Variant of Uncertain Significance.

NM_001001331.4(ATP2B2):c.1954G>A (p.Asp652Asn)

Gene: ATP2B2 (ATPase plasma membrane Ca2+ transporting 2; minus strand). Cytogenetic location: 3p25.3.
Variant type: single nucleotide variant.
Coding change: c.1954G>A on transcript NM_001001331.4 (MANE Select); coding-DNA position 1954, G replaced by A.
Protein change: p.Asp652Asn; replaces aspartic acid 652 with asparagine.
Molecular consequence: missense variant.
Genome position (GRCh38, 1-based): chr3:10,358,873, C>T on the plus strand (G>A on the coding strand, the complement: ATP2B2 is on the minus strand). VCF-style: chr3-10358873-C-T. GRCh37 (hg19) VCF-style: chr3-10400557-C-T.
Other names: c.1819G>A, p.Asp607Asn (NM_001330611.3, NM_001353564.1, NM_001363862.1 and 1 more transcripts); short protein forms D607N, D652N.
Identifiers: ClinVar variation 3713482 (VCV003713482.2).